The following is an entry in ClinVar:

ClinVar aggregate classification (germline): Uncertain significance (1 of 4 stars; one submission).

Conditions:
Alstrom syndrome (ALMS). Identifiers: Orphanet 64, MedGen C0268425, MONDO:0008763, OMIM 203800.

gnomAD v4.1: 1 of 1,614,042 alleles (0.000062%); highest among the groups gnomAD compares: Non-Finnish European, 0.000085%; no homozygotes.

Submission:

Labcorp Genetics (formerly Invitae), Labcorp
Classification: Uncertain significance for Alstrom syndrome. Last evaluated: 2023-07-22. Review status: criteria provided, single submitter. Criteria: Invitae Variant Classification Sherloc (09022015). Collection method: clinical testing. Allele origin: germline.
Comment: In summary, the available evidence is currently insufficient to determine the role of this variant in disease. Therefore, it has been classified as a Variant of Uncertain Significance. Experimental studies and prediction algorithms are not available or were not evaluated, and the functional significance of this variant is currently unknown. ClinVar contains an entry for this variant (Variation ID: 1987909). This variant has not been reported in the literature in individuals affected with ALMS1-related conditions. This variant is present in population databases (no rsID available, gnomAD 0.007%). This sequence change replaces proline, which is neutral and non-polar, with arginine, which is basic and polar, at codon 4047 of the ALMS1 protein (p.Pro4047Arg).

NM_001378454.1(ALMS1):c.12137C>G (p.Pro4046Arg)

Genes: ALMS1 (ALMS1 centrosome and basal body associated protein; plus strand), LOC126806252 (BRD4-independent group 4 enhancer GRCh37_chr2:73828496-73829695; plus strand). Cytogenetic location: 2p13.1.
Variant type: single nucleotide variant.
Coding change: c.12137C>G on transcript NM_001378454.1 (MANE Select); coding-DNA position 12137, C replaced by G.
Protein change: p.Pro4046Arg; replaces proline 4046 with arginine.
Molecular consequence: missense variant.
Genome position (GRCh38, 1-based): chr2:73,602,207, C>G. VCF-style: chr2-73602207-C-G. GRCh37 (hg19) VCF-style: chr2-73829334-C-G.
Other names: c.12140C>G, p.Pro4047Arg (NM_015120.4); short protein forms P4046R, P4047R.
Identifiers: ClinVar variation 1987909 (VCV001987909.4), dbSNP rs751862434, ClinGen allele CA347267740.